The following is an entry in ClinVar:

NM_001370259.2(MEN1):c.1231G>T (p.Ala411Ser)

Gene: MEN1 (menin 1; minus strand). Cytogenetic location: 11q13.1.
Variant type: single nucleotide variant.
Coding change: c.1231G>T on transcript NM_001370259.2 (MANE Select); coding-DNA position 1231, G replaced by T.
Protein change: p.Ala411Ser; replaces alanine 411 with serine.
Molecular consequence: missense variant.
Genome position (GRCh38, 1-based): chr11:64,805,153, C>A on the plus strand (G>T on the coding strand, the complement: MEN1 is on the minus strand). VCF-style: chr11-64805153-C-A. GRCh37 (hg19) VCF-style: chr11-64572625-C-A.
Other names: c.1246G>T, p.Ala416Ser (NM_000244.4, NM_130800.3, NM_130801.3 and 3 more transcripts); c.1357G>T, p.Ala453Ser (NM_001370251.2); c.1231G>T, p.Ala411Ser (NM_001370260.2, NM_001370261.2, NM_130799.3); c.1126G>T, p.Ala376Ser (NM_001370262.2, NM_001370263.2); short protein forms A411S, A416S, A376S, A453S.
Identifiers: ClinVar variation 216813 (VCV000216813.14), dbSNP rs757179911, ClinGen allele CA336654.

ClinVar aggregate classification (germline): Conflicting classifications of pathogenicity. Review status: criteria provided, conflicting classifications (1 of 4 stars). 4 submissions from 4 submitters: Uncertain significance (3); Likely benign (1). Last evaluated 2026-02-02.

Conditions:
Hereditary cancer-predisposing syndrome. Also called: Tumor predisposition; Hereditary Cancer Syndrome; Neoplastic Syndromes, Hereditary; Hereditary neoplastic syndrome. Identifiers: Orphanet 140162, MedGen C0027672, MeSH D009386, MONDO:0015356.
Multiple endocrine neoplasia, type 1 (MEN1). Also called: Endocrine adenomatosis multiple; MEN 1; MEN I; WERMER SYNDROME; MEA I. Identifiers: Orphanet 652, MedGen C0025267, MeSH D018761, MONDO:0007540, OMIM 131100.

Submissions (4):

Labcorp Genetics (formerly Invitae), Labcorp
Classification: Likely benign for Multiple endocrine neoplasia, type 1. Last evaluated: 2026-02-02. Review status: criteria provided, single submitter. Criteria: Invitae Variant Classification Sherloc (09022015). Collection method: clinical testing. Allele origin: germline.

Color Diagnostics, LLC DBA Color Health
Classification: Uncertain significance for Multiple endocrine neoplasia, type 1. Last evaluated: 2025-05-14. Review status: criteria provided, single submitter. Criteria: ACMG Guidelines, 2015. Collection method: clinical testing. Allele origin: germline.
Comment: This missense variant replaces alanine with serine at codon 411 of the MEN1 protein. Computational prediction suggests that this variant may have deleterious impact on protein structure and function. To our knowledge, functional studies have not been reported for this variant. This variant has not been reported in individuals affected with MEN1-related disorders in the literature. This variant has not been identified in the general population by the Genome Aggregation Database (gnomAD). The available evidence is insufficient to determine the role of this variant in disease conclusively. Therefore, this variant is classified as a Variant of Uncertain Significance.

Ambry Genetics
Classification: Uncertain significance for Hereditary cancer-predisposing syndrome. Last evaluated: 2025-01-10. Review status: criteria provided, single submitter. Criteria: Ambry Variant Classification Scheme 2023. Collection method: clinical testing. Allele origin: germline.
Comment: The p.A411S variant (also known as c.1231G>T), located in coding exon 8 of the MEN1 gene, results from a G to T substitution at nucleotide position 1231. The alanine at codon 411 is replaced by serine, an amino acid with similar properties. This amino acid position is highly conserved in available vertebrate species. In addition, this alteration is predicted to be deleterious by in silico analysis. Since supporting evidence is limited at this time, the clinical significance of this alteration remains unclear.

GeneDx
Classification: Uncertain significance. Last evaluated: 2022-09-13. Review status: criteria provided, single submitter. Criteria: GeneDx Variant Classification Process June 2021. Collection method: clinical testing. Allele origin: germline. Affected: yes.
Comment: Not observed at significant frequency in large population cohorts (gnomAD); In silico analysis supports that this missense variant does not alter protein structure/function; Has not been previously published as pathogenic or benign to our knowledge; This variant is associated with the following publications: (PMID: 9989505)